The following is an entry in ClinVar:

NM_001348323.3(TRIP12):c.3215G>C (p.Ser1072Thr)

Gene: TRIP12 (thyroid hormone receptor interactor 12; minus strand). Cytogenetic location: 2q36.3.
Variant type: single nucleotide variant.
Coding change: c.3215G>C on transcript NM_001348323.3 (MANE Select); coding-DNA position 3215, G replaced by C.
Protein change: p.Ser1072Thr; replaces serine 1072 with threonine.
Molecular consequence: missense variant.
Genome position (GRCh38, 1-based): chr2:229,799,375, C>G on the plus strand (G>C on the coding strand, the complement: TRIP12 is on the minus strand). VCF-style: chr2-229799375-C-G. GRCh37 (hg19) VCF-style: chr2-230664091-C-G.
Other names: c.3134G>C, p.Ser1045Thr (NM_001284214.2, NM_001348315.2); c.3089G>C, p.Ser1030Thr (NM_001284215.2, NM_001348316.2, NM_001348317.1 and 1 more transcripts); c.2180G>C, p.Ser727Thr (NM_001284216.2); c.3215G>C, p.Ser1072Thr (NM_001348319.1, NM_001348320.2, NM_001348322.1 and 4 more transcripts); c.3218G>C, p.Ser1073Thr (NM_001348321.1, NM_001348328.1, NM_001348329.2 and 1 more transcripts); c.3008G>C, p.Ser1003Thr (NM_001348331.1); c.3128G>C, p.Ser1043Thr (NM_001348332.1); c.3137G>C, p.Ser1046Thr (NM_001348333.1); and 1 more; short protein forms S1003T, S1030T, S1043T, S1045T, S1046T, S1072T, S1073T, S727T.
Identifiers: ClinVar variation 1879525 (VCV001879525.29), dbSNP rs2471643973, ClinGen allele CA350909187.

ClinVar aggregate classification (germline): Uncertain significance (1 of 4 stars; one submission).

Submission:

CeGaT Center for Human Genetics Tuebingen
Classification: Uncertain significance. Last evaluated: 2022-10-01. Review status: criteria provided, single submitter. Criteria: CeGaT Center For Human Genetics Tuebingen Variant Classification Criteria Version 2. Collection method: clinical testing. Allele origin: germline. Affected: yes. Observed: 1 variant allele.
Comment: TRIP12: PM2, PS2:Moderate, PP2